The following is an entry in ClinVar:

ClinVar aggregate classification (germline): Pathogenic. Review status: criteria provided, multiple submitters, no conflicts (2 of 4 stars). 2 submissions from 2 submitters: Pathogenic (2). Last evaluated 2024-01-19.

Conditions:
Usher syndrome type 2A. Also called: USHER SYNDROME, TYPE IIA; RETINAL DISEASE IN USHER SYNDROME TYPE IIA, MODIFIER OF. Identifiers: Orphanet 231178, Orphanet 886, MedGen C1848634, MONDO:0010169, OMIM 276901.
Retinitis pigmentosa 39 (RP39). Identifiers: Orphanet 791, MedGen C3151138, MONDO:0013436, OMIM 613809.

Allele frequency attached by ClinVar (database versions not stated): gnomAD exomes below 0.00001.

Submissions (2):

Baylor Genetics
Classification: Pathogenic for Retinitis pigmentosa 39. Last evaluated: 2024-01-19. Review status: criteria provided, single submitter. Criteria: ACMG Guidelines, 2015. Collection method: clinical testing. Allele origin: unknown.

3billion
Classification: Pathogenic for Usher syndrome type 2A. Last evaluated: 2022-05-22. Review status: criteria provided, single submitter. Criteria: ACMG Guidelines, 2015. Collection method: clinical testing. Allele origin: germline. Affected: yes. Observed: 1 heterozygote.
Comment: The variant is not observed in the gnomAD v2.1.1 dataset. Frameshift: predicted to result in a loss or disruption of normal protein function through nonsense-mediated decay (NMD) or protein truncation. Multiple pathogenic variants are reported downstream of the variant. The variant has been reported to be associated with USH2A related disorder (PMID: 31674169 / 3billion dataset). Therefore, this variant is classified as pathogenic according to the recommendation of ACMG/AMP guideline.

Literature cited by the submitters: PubMed 31674169 (cited by 3billion).

NM_206933.4(USH2A):c.14835del (p.Val4946fs)

Gene: USH2A (usherin; minus strand). Cytogenetic location: 1q41.
Variant type: Deletion.
Coding change: c.14835del on transcript NM_206933.4 (MANE Select); coding-DNA position 14835, one base deleted (T; older notation c.14835delT).
Protein change: p.Val4946fs; shifts the reading frame from valine 4946.
Molecular consequence: frameshift variant.
Genome position (GRCh38, 1-based): chr1:215,640,691, A deleted on the plus strand (T on the coding strand, the reverse complement: USH2A is on the minus strand). VCF-style (leftmost placement, unchanged base first): chr1-215640690-CA-C. GRCh37 (hg19) VCF-style: chr1-215814032-CA-C.
Other names: short protein forms V4946fs.
Identifiers: ClinVar variation 1687247 (VCV001687247.2), dbSNP rs2102636076, ClinGen allele CA2573131538.